The following is an entry in ClinVar:

NM_002968.3(SALL1):c.1993C>T (p.Leu665Phe)

Gene: SALL1 (spalt like transcription factor 1; minus strand). Cytogenetic location: 16q12.1.
Variant type: single nucleotide variant.
Coding change: c.1993C>T on transcript NM_002968.3 (MANE Select); coding-DNA position 1993, C replaced by T.
Protein change: p.Leu665Phe; replaces leucine 665 with phenylalanine.
Molecular consequence: missense variant.
Genome position (GRCh38, 1-based): chr16:51,140,229, G>A on the plus strand (C>T on the coding strand, the complement: SALL1 is on the minus strand). VCF-style: chr16-51140229-G-A. GRCh37 (hg19) VCF-style: chr16-51174140-G-A.
Other names: c.1702C>T, p.Leu568Phe (NM_001127892.2); short protein forms L568F, L665F.
Identifiers: ClinVar variation 5016821 (VCV005016821.1).

ClinVar aggregate classification (germline): Uncertain significance (1 of 4 stars; one submission).

Submission:

GeneDx
Classification: Uncertain significance. Last evaluated: 2026-04-01. Review status: criteria provided, single submitter. Criteria: GeneDx Variant Classification Process June 2021. Collection method: clinical testing. Allele origin: germline.
Comment: Not observed at significant frequency in large population cohorts (gnomAD); In silico analysis suggests that this missense variant does not alter protein structure/function; Has not been previously published as pathogenic or benign to our knowledge